The following is an entry in ClinVar:

NC_000015.9:g.(?_32964889)_(33012502_?)dup

Genes: GREM1 (gremlin 1, DAN family BMP antagonist; plus strand), SCG5 (secretogranin V; plus strand). Cytogenetic location: 15q13.3.
Variant type: Duplication.
Identifiers: ClinVar variation 1040887 (VCV001040887.8).

ClinVar aggregate classification (germline): Uncertain significance (1 of 4 stars; one submission).

Conditions:
Familial colorectal cancer. Identifiers: MedGen CN280943, MONDO:0023113. Disease mechanism: loss of function.

Submission:

Labcorp Genetics (formerly Invitae), Labcorp
Classification: Uncertain significance for Familial colorectal cancer. Last evaluated: 2022-10-31. Review status: criteria provided, single submitter. Criteria: Invitae Variant Classification Sherloc (09022015). Collection method: clinical testing. Allele origin: germline.
Comment: A gross duplication of the genomic region encompassing the promoter of the GREM1 gene has been identified. The precise boundaries of this event are unknown. In summary, the available evidence is currently insufficient to determine the role of this variant in disease. Therefore, it has been classified as a Variant of Uncertain Significance. Two different tandem duplications (40 kb and 16 kb) spanning the 3' end of the SCG5 gene and the region upstream of the GREM1 gene have been reported in families with hereditary mixed polyposis syndrome (PMID: 22561515, 25992589, 26493165). However, the gain identified in this individual is different from those variants, and therefore the impact of the additional duplicated sequences on GREM1 expression and function has not been established. This variant has not been reported in the literature in individuals affected with GREM1-related conditions.

Literature cited by the submitters: PubMed 22561515; PubMed 25992589; PubMed 26493165.